The following is an entry in ClinVar:

NM_001360.3(DHCR7):c.655T>G (p.Tyr219Asp)

Gene: DHCR7 (7-dehydrocholesterol reductase; minus strand). Cytogenetic location: 11q13.4.
Variant type: single nucleotide variant.
Coding change: c.655T>G on transcript NM_001360.3 (MANE Select); coding-DNA position 655, T replaced by G.
Protein change: p.Tyr219Asp; replaces tyrosine 219 with aspartic acid.
Molecular consequence: missense variant.
Genome position (GRCh38, 1-based): chr11:71,439,055, A>C on the plus strand (T>G on the coding strand, the complement: DHCR7 is on the minus strand). VCF-style: chr11-71439055-A-C. GRCh37 (hg19) VCF-style: chr11-71150101-A-C.
Other names: c.655T>G, p.Tyr219Asp (NM_001163817.2); short protein forms Y219D.
Identifiers: ClinVar variation 430220 (VCV000430220.21), dbSNP rs779896782, ClinGen allele CA6162499.

ClinVar aggregate classification (germline): Conflicting classifications of pathogenicity. Review status: criteria provided, conflicting classifications (1 of 4 stars). 8 submissions from 8 submitters: Pathogenic (1); Likely pathogenic (3); Uncertain significance (2). 2 of the submissions do not count toward it. Last evaluated 2026-06-08.

Conditions:
DHCR7-related disorder. Also called: DHCR7-related condition.
Smith-Lemli-Opitz syndrome (SLOS). Also called: 7-Dehydrocholesterol reductase deficiency; POLYDACTYLY, SEX REVERSAL, RENAL HYPOPLASIA, AND UNILOBAR LUNG; RSH SYNDROME; RUTLEDGE LETHAL MULTIPLE CONGENITAL ANOMALY SYNDROME; LETHAL ACRODYSGENITAL SYNDROME. Identifiers: Orphanet 818, MedGen C0175694, MONDO:0010035, OMIM 270400.

Allele frequency attached by ClinVar (database versions not stated): TOPMed below 0.00001; ExAC 0.00001; gnomAD 0.00001; gnomAD exomes 0.00001.
gnomAD v4.1: 20 of 1,613,974 alleles (0.0012%); highest among the groups gnomAD compares: Non-Finnish European, 0.0017%; no homozygotes.

Submissions (8):

Myriad Genetics, Inc.
Classification: Uncertain significance for Smith-Lemli-Opitz syndrome. Last evaluated: 2026-06-08. Review status: criteria provided, single submitter. Criteria: Myriad Autosomal Dominant, Autosomal Recessive and X-Linked Classification Criteria (2023). Collection method: clinical testing. Allele origin: unknown.
Comment: NM_001360.2(DHCR7):c.655T>G(Y219D) is a missense variant classified as a variant of uncertain significance in the context of Smith-Lemli-Opitz syndrome. Y219D has been observed in a case with relevant disease (PMID: 18249054). Relevant functional assessments of this variant are not available in the literature. Y219D has been observed in referenced population frequency databases. In summary, there is insufficient evidence to classify NM_001360.2(DHCR7):c.655T>G(Y219D) as pathogenic or benign. Please note: this variant was assessed in the context of healthy population screening.

GeneDx
Classification: Likely pathogenic. Last evaluated: 2025-12-23. Review status: criteria provided, single submitter. Criteria: GeneDx Variant Classification Process June 2021. Collection method: clinical testing. Allele origin: germline. Affected: yes.
Comment: Not observed at significant frequency in large population cohorts (gnomAD); In silico analysis supports that this missense variant has a deleterious effect on protein structure/function; This variant is associated with the following publications: (PMID: 18249054, 23042628, 20556518)

Women's Health and Genetics/Laboratory Corporation of America, LabCorp
Classification: Uncertain significance. Last evaluated: 2025-09-17. Review status: criteria provided, single submitter. Criteria: LabCorp Variant Classification Summary - May 2015. Collection method: clinical testing. Allele origin: germline.
Comment: Variant summary: DHCR7 c.655T>G (p.Tyr219Asp) results in a non-conservative amino acid change in the encoded protein sequence. Algorithms developed to predict the effect of missense changes on protein structure and function all suggest that this variant is likely to be disruptive. The variant allele was found at a frequency of 8e-06 in 251320 control chromosomes. The available data on variant occurrences in the general population are insufficient to allow any conclusion about variant significance. c.655T>G has been observed in at least one compound heterozygous individual affected with Smith-Lemli-Opitz Syndrome (e.g. Jezela-Stanek_2008). These data do not allow any conclusion about variant significance. To our knowledge, no experimental evidence demonstrating an impact on protein function has been reported. The following publication has been ascertained in the context of this evaluation (PMID: 18249054). ClinVar contains an entry for this variant (Variation ID: 430220). Based on the evidence outlined above, the variant was classified as uncertain significance.

PreventionGenetics, part of Exact Sciences
Classification: Likely pathogenic for DHCR7-related condition. Last evaluated: 2025-03-18. Review status: criteria provided, single submitter. Criteria: ACMG Guidelines, 2015. Collection method: clinical testing. Allele origin: germline.
Comment: The DHCR7 c.655T>G variant is predicted to result in the amino acid substitution p.Tyr219Asp. This variant has been reported in the compound heterozygous state with another pathogenic variant in an individual with phenotypic and biochemical features consistent with mild Smith-Lemli-Opitz syndrome (Jezela-Stanek et al. 2008. PubMed ID: 18249054). In ClinVar, this variant has been interpreted as uncertain and likely pathogenic. This variant is reported in 0.0018% of alleles in individuals of European (Non-Finnish) descent in gnomAD. Based on the available evidence, we classify this variant as likely pathogenic.

Fulgent Genetics
Classification: Likely pathogenic for Smith-Lemli-Opitz syndrome. Last evaluated: 2024-06-10. Review status: criteria provided, single submitter. Criteria: ACMG Guidelines, 2015. Collection method: clinical testing. Allele origin: germline.

Labcorp Genetics (formerly Invitae), Labcorp
Classification: Pathogenic for Smith-Lemli-Opitz syndrome. Last evaluated: 2023-06-15. Review status: criteria provided, single submitter. Criteria: Invitae Variant Classification Sherloc (09022015). Collection method: clinical testing. Allele origin: germline.
Comment: This missense change has been observed in individual(s) with Smith-Lemli-Opitz syndrome (PMID: 18249054). In at least one individual the data is consistent with being in trans (on the opposite chromosome) from a pathogenic variant. This variant is present in population databases (rs779896782, gnomAD 0.002%). This sequence change replaces tyrosine, which is neutral and polar, with aspartic acid, which is acidic and polar, at codon 219 of the DHCR7 protein (p.Tyr219Asp). ClinVar contains an entry for this variant (Variation ID: 430220). For these reasons, this variant has been classified as Pathogenic. Advanced modeling of protein sequence and biophysical properties (such as structural, functional, and spatial information, amino acid conservation, physicochemical variation, residue mobility, and thermodynamic stability) performed at Invitae indicates that this missense variant is expected to disrupt DHCR7 protein function.

Natera, Inc.
Classification: Likely pathogenic for Smith-Lemli-Opitz syndrome. Last evaluated: 2020-09-16. Review status: no assertion criteria provided. Collection method: clinical testing. Allele origin: germline. Not counted in ClinVar's aggregate classification.

Counsyl
Classification: Uncertain significance for Smith-Lemli-Opitz syndrome. Last evaluated: 2017-08-16. Review status: no assertion criteria provided. Collection method: clinical testing. Allele origin: unknown. Not counted in ClinVar's aggregate classification.

Literature cited by the submitters: PubMed 18249054 (cited by 4 submitters).